The following is an entry in ClinVar:

NM_006059.4(LAMC3):c.190C>A (p.His64Asn)

Gene: LAMC3 (laminin subunit gamma 3; plus strand). Cytogenetic location: 9q34.12.
Variant type: single nucleotide variant.
Coding change: c.190C>A on transcript NM_006059.4 (MANE Select); coding-DNA position 190, C replaced by A.
Protein change: p.His64Asn; replaces histidine 64 with asparagine.
Molecular consequence: missense variant.
Genome position (GRCh38, 1-based): chr9:131,009,404, C>A. VCF-style: chr9-131009404-C-A. GRCh37 (hg19) VCF-style: chr9-133884791-C-A.
Other names: short protein forms H64N.
Identifiers: ClinVar variation 1510011 (VCV001510011.8), dbSNP rs934680418, ClinGen allele CA200659128.

ClinVar aggregate classification (germline): Uncertain significance (1 of 4 stars; one submission).

Submission:

Labcorp Genetics (formerly Invitae), Labcorp
Classification: Uncertain significance. Last evaluated: 2021-04-25. Review status: criteria provided, single submitter. Criteria: Invitae Variant Classification Sherloc (09022015). Collection method: clinical testing. Allele origin: germline.
Comment: In summary, the available evidence is currently insufficient to determine the role of this variant in disease. Therefore, it has been classified as a Variant of Uncertain Significance. Algorithms developed to predict the effect of missense changes on protein structure and function are either unavailable or do not agree on the potential impact of this missense change (SIFT: "Tolerated"; PolyPhen-2: "Possibly Damaging"; Align-GVGD: "Class C0"). This variant has not been reported in the literature in individuals with LAMC3-related conditions. The frequency data for this variant in the population databases is considered unreliable, as metrics indicate insufficient coverage at this position in the ExAC database. This sequence change replaces histidine with asparagine at codon 64 of the LAMC3 protein (p.His64Asn). The histidine residue is weakly conserved and there is a small physicochemical difference between histidine and asparagine.